The following is an entry in ClinVar:

NM_001330360.2(POLA1):c.463-3C>T

Gene: POLA1 (DNA polymerase alpha 1, catalytic subunit; plus strand). Cytogenetic location: Xp22.11.
Variant type: single nucleotide variant.
Coding change: c.463-3C>T on transcript NM_001330360.2 (MANE Select); 3 bases into the intron before coding-DNA position 463, C replaced by T.
Molecular consequence: intron variant.
Genome position (GRCh38, 1-based): chrX:24,715,138, C>T. VCF-style: chrX-24715138-C-T. GRCh37 (hg19) VCF-style: chrX-24733255-C-T.
Other names: c.463-3C>T (NM_001378303.1); c.445-3C>T (NM_016937.4).
Identifiers: ClinVar variation 2013717 (VCV002013717.5), dbSNP rs1929735411, ClinGen allele CA2420112382.
Genomic context (GRCh38, chrX:24,715,138, plus strand): 5'-TAGTTTTGGTGAGACATTTTAAGTGCAAGGCTTTCTCATGTTACCTTTCTTTATCATTTC[C>T]AGAAAGCTGTAGACTTGTCCAAGGATGGTCTGCTAGGTGACATTCTACAGGATCTTAACA-3'

ClinVar aggregate classification (germline): Uncertain significance. Review status: criteria provided, multiple submitters, no conflicts (2 of 4 stars). 2 submissions from 2 submitters: Uncertain significance (2). Last evaluated 2025-10-08.

Submissions (2):

Labcorp Genetics (formerly Invitae), Labcorp
Classification: Uncertain significance. Last evaluated: 2025-10-08. Review status: criteria provided, single submitter. Criteria: Invitae Variant Classification Sherloc (09022015). Collection method: clinical testing. Allele origin: germline.
Comment: This sequence change falls in intron 5 of the POLA1 gene. It does not directly change the encoded amino acid sequence of the POLA1 protein. It affects a nucleotide within the consensus splice site. This variant is not present in population databases (gnomAD no frequency). This variant has not been reported in the literature in individuals affected with POLA1-related conditions. ClinVar contains an entry for this variant (Variation ID: 2013717). Variants that disrupt the consensus splice site are a relatively common cause of aberrant splicing (PMID: 17576681, 9536098). Algorithms developed to predict the effect of sequence changes on RNA splicing suggest that this variant is not likely to affect RNA splicing. In summary, the available evidence is currently insufficient to determine the role of this variant in disease. Therefore, it has been classified as a Variant of Uncertain Significance.

Dasa
Classification: Uncertain significance. Last evaluated: 2025-04-14. Review status: criteria provided, single submitter. Criteria: DASA Assertion Criteria. Collection method: clinical testing. Allele origin: germline.
Comment: NM_001330360.2(POLA1):c.463-3C>T is a splice-region variant predicted to affect normal RNA splicing. Multiple computational predictions suggest no deleterious effect on the gene or gene product. Based on the available data, this variant is classified as variant of uncertain significance.

Literature cited by the submitters: PubMed 17576681 (cited by Labcorp Genetics (formerly Invitae), Labcorp); PubMed 9536098 (cited by Labcorp Genetics (formerly Invitae), Labcorp).